The following is an entry in ClinVar:

ClinVar aggregate classification (germline): Pathogenic. Review status: criteria provided, multiple submitters, no conflicts (2 of 4 stars). 2 submissions from 2 submitters: Pathogenic (2). Last evaluated 2024-06-12.

Conditions:
AGBL5-related disorder. Also called: AGBL5-related condition.

Submissions (2):

Labcorp Genetics (formerly Invitae), Labcorp
Classification: Pathogenic. Last evaluated: 2024-06-12. Review status: criteria provided, single submitter. Criteria: Invitae Variant Classification Sherloc (09022015). Collection method: clinical testing. Allele origin: germline.
Comment: This sequence change creates a premature translational stop signal (p.Arg220*) in the AGBL5 gene. It is expected to result in an absent or disrupted protein product. Loss-of-function variants in AGBL5 are known to be pathogenic (PMID: 27764769, 27842159). This variant is not present in population databases (gnomAD no frequency). This variant has not been reported in the literature in individuals affected with AGBL5-related conditions. For these reasons, this variant has been classified as Pathogenic.

Blueprint Genetics
Classification: Pathogenic for AGBL5-related disorders. Last evaluated: 2022-06-22. Review status: criteria provided, single submitter. Criteria: ACMG Guidelines, 2015. Collection method: clinical testing. Allele origin: germline. Affected: yes. Observed: 2 variant alleles.

Literature cited by the submitters: PubMed 27764769 (cited by Labcorp Genetics (formerly Invitae), Labcorp); PubMed 27842159 (cited by Labcorp Genetics (formerly Invitae), Labcorp).

NM_021831.6(AGBL5):c.658C>T (p.Arg220Ter)

Gene: AGBL5 (AGBL carboxypeptidase 5; plus strand). Cytogenetic location: 2p23.3.
Variant type: single nucleotide variant.
Coding change: c.658C>T on transcript NM_021831.6 (MANE Select); coding-DNA position 658, C replaced by T.
Protein change: p.Arg220Ter; replaces arginine 220 with a stop codon.
Molecular consequence: nonsense. On other transcripts: non-coding transcript variant (2).
Genome position (GRCh38, 1-based): chr2:27,054,736, C>T. VCF-style: chr2-27054736-C-T. GRCh37 (hg19) VCF-style: chr2-27277604-C-T.
Other names: c.658C>T, p.Arg220Ter (NM_001035506.1, NM_001035507.3); short protein forms R220*.
Identifiers: ClinVar variation 2869501 (VCV002869501.4), dbSNP rs1339489536, ClinGen allele CA346173755.
Genomic context (GRCh38, chr2:27,054,736, plus strand): 5'-CTGGATGGACTTCGTGTAGATCTGCTGACGATCACTTCCTGCCATGGGCTTCGAGAAGAT[C>T]GAGAGCCCCGTCTAGAGCAGCTATTTCCTGATACCAGCACCCCTCGACCATTCCGTTTCG-3'